The following is an entry in ClinVar:

ClinVar aggregate classification (germline): Likely pathogenic (1 of 4 stars; one submission).

Conditions:
Mitochondrial disease. Also called: Mitochondrial disorders; Mitochondrial disorder. Identifiers: Orphanet 68380, MedGen C0751651, MeSH D028361, MONDO:0044970.

Allele frequency attached by ClinVar (database versions not stated): TOPMed below 0.00001; gnomAD 0.00001.
gnomAD v4.1: 1 of 1,614,094 alleles (0.000062%); highest among the groups gnomAD compares: Non-Finnish European, 0.000085%; no homozygotes.

Submission:

Genomenon, Inc
Classification: Likely pathogenic for Mitochondrial disease. Last evaluated: 2025-11-24. Review status: criteria provided, single submitter. Criteria: Genomenon Sequence Variant Interpretation Standards - Updated. Collection method: curation. Allele origin: germline. Affected: yes.
Comment: TK2 p.Tyr112Asn (c.334T>A) is a missense variant that changes the amino acid at residue 112 from Tyrosine to Asparagine. It is also described as Y154N and Y81N in the literature. This variant has been observed in multiple probands affected with mitochondrial disease in the compound heterozygous state (19125351, 17280874). This variant is not present at a significant frequency in gnomAD, and in silico models agree that this variant is possibly or probably damaging. In conclusion, we classify TK2 p.Tyr112Asn (c.334T>A) as a likely pathogenic variant.

Literature cited by the submitters: PubMed 19125351; PubMed 17280874.

NM_004614.5(TK2):c.334T>A (p.Tyr112Asn)

Gene: TK2 (thymidine kinase 2; minus strand). Cytogenetic location: 16q21.
Variant type: single nucleotide variant.
Coding change: c.334T>A on transcript NM_004614.5 (MANE Select); coding-DNA position 334, T replaced by A.
Protein change: p.Tyr112Asn; replaces tyrosine 112 with asparagine.
Molecular consequence: missense variant. On other transcripts: non-coding transcript variant (1).
Genome position (GRCh38, 1-based): chr16:66,531,421, A>T on the plus strand (T>A on the coding strand, the complement: TK2 is on the minus strand). VCF-style: chr16-66531421-A-T. GRCh37 (hg19) VCF-style: chr16-66565324-A-T.
Other names: c.241T>A, p.Tyr81Asn (NM_001172643.1, NM_001271935.1); c.259T>A, p.Tyr87Asn (NM_001172644.2); c.280T>A, p.Tyr94Asn (NM_001172645.2); c.187T>A, p.Tyr63Asn (NM_001271934.2); c.43T>A, p.Tyr15Asn (NM_001272050.2); short protein forms Y112N, Y63N, Y15N, Y81N, Y87N, Y94N.
Identifiers: ClinVar variation 3778867 (VCV003778867.2), dbSNP rs281865490.